The following is an entry in ClinVar:

NM_003072.5(SMARCA4):c.1754_1757del (p.Lys585fs)

Gene: SMARCA4 (SWI/SNF related BAF chromatin remodeling complex subunit ATPase 4; plus strand). Cytogenetic location: 19p13.2.
Variant type: Deletion.
Coding change: c.1754_1757del on transcript NM_003072.5 (MANE Select); coding-DNA positions 1754 to 1757, 4 bases deleted (AAAA; older notation c.1754_1757delAAAA).
Protein change: p.Lys585fs; shifts the reading frame from lysine 585.
Molecular consequence: frameshift variant. On other transcripts: non-coding transcript variant (1).
Genome position (GRCh38, 1-based): chr19:10,996,373-10,996,376, AAAA deleted; deleting any 4 consecutive bases within chr19:10,996,372-10,996,376 gives the same sequence; the c. name uses the placement nearest the transcript's 3' end. VCF-style (leftmost placement, unchanged base first): chr19-10996371-GAAAA-G. GRCh37 (hg19) VCF-style: chr19-11107047-GAAAA-G.
Other names: c.1754_1757del (NM_001128849.1); c.1754_1757del, p.Lys585fs (NM_001128844.3, NM_001128845.2, NM_001128846.2 and 5 more transcripts); short protein forms K585fs.
Identifiers: ClinVar variation 640321 (VCV000640321.8), dbSNP rs1555763780, ClinGen allele CA915951659.
Genomic context (GRCh38, chr19:10,996,371, plus strand): 5'-CACGGAGCTGGTGCGGCAGCACAAGGCTGCCCAGGTCGCCAAGGAGAAAAAGAAGAAAAA[GAAAA>G]AGAAGGTGTGCTGGGCCTGGCATGGTGCCCGCCGCGGGTGGGATGGGAGCAGCCGTCTTC-3'

ClinVar aggregate classification (germline): Pathogenic/Likely pathogenic. Review status: criteria provided, multiple submitters, no conflicts (2 of 4 stars). 2 submissions from 2 submitters: Pathogenic (1); Likely pathogenic (1). Last evaluated 2024-11-15.

Conditions:
Rhabdoid tumor predisposition syndrome 2 (RTPS2). Identifiers: Orphanet 231108, Orphanet 69077, MedGen C2750074, MONDO:0013224, OMIM 613325.

Submissions (2):

Institute for Genomic Medicine (IGM) Clinical Laboratory, Nationwide Children's Hospital
Classification: Likely pathogenic for Rhabdoid tumor predisposition syndrome 2. Last evaluated: 2024-11-15. Review status: criteria provided, single submitter. Criteria: ACMG Guidelines, 2015. Collection method: clinical testing. Allele origin: germline.
Comment: This variant is predicted to result in loss of function through nonsense-mediated decay of the encoded transcript or premature truncation of the encoded protein in a gene in which loss of function is a known mechanism of disease (ACMG/AMP: PVS1; PMIDs:33907931, 25060813, 20137775). This variant is absent from or present at an exceedingly low frequency in gnomAD, a large-scale control population database (ACMG/AMP: PM2).

Labcorp Genetics (formerly Invitae), Labcorp
Classification: Pathogenic for Rhabdoid tumor predisposition syndrome 2. Last evaluated: 2019-11-21. Review status: criteria provided, single submitter. Criteria: Invitae Variant Classification Sherloc (09022015). Collection method: clinical testing. Allele origin: germline.
Comment: This variant is not present in population databases (ExAC no frequency). This sequence change creates a premature translational stop signal (p.Lys585Argfs*27) in the SMARCA4 gene. It is expected to result in an absent or disrupted protein product. This variant has not been reported in the literature in individuals with SMARCA4-related conditions. ClinVar contains an entry for this variant (Variation ID: 640321). For these reasons, this variant has been classified as Pathogenic. Loss-of-function variants in SMARCA4 are known to be pathogenic (PMID: 24658001, 24658002).

Literature cited by the submitters: PubMed 33907931 (cited by Institute for Genomic Medicine (IGM) Clinical Laboratory, Nationwide Children's Hospital); PubMed 25060813 (cited by Institute for Genomic Medicine (IGM) Clinical Laboratory, Nationwide Children's Hospital); PubMed 20137775 (cited by Institute for Genomic Medicine (IGM) Clinical Laboratory, Nationwide Children's Hospital); PubMed 24658001 (cited by Labcorp Genetics (formerly Invitae), Labcorp); PubMed 24658002 (cited by Labcorp Genetics (formerly Invitae), Labcorp).